The following is an entry in ClinVar:

ClinVar aggregate classification (germline): Conflicting classifications of pathogenicity. Review status: criteria provided, conflicting classifications (1 of 4 stars). 5 submissions from 4 submitters: Uncertain significance (2); Benign (1); Likely benign (2). Last evaluated 2024-06-07.

Conditions:
Wolfram syndrome 1 (WFS1). Identifiers: Orphanet 3463, MedGen C4551693, MONDO:0009101, OMIM 222300.
WFS1-Related Spectrum Disorders.
Autosomal dominant nonsyndromic hearing loss 6 (LFSNHL). Also called: DEAFNESS, AUTOSOMAL DOMINANT 6; DEAFNESS, AUTOSOMAL DOMINANT 14; DEAFNESS, AUTOSOMAL DOMINANT 38; Autosomal dominant nonsyndromic deafness 6. Identifiers: Orphanet 90635, MedGen C1833021, MONDO:0010963, OMIM 600965.

Allele frequency attached by ClinVar (database versions not stated): TOPMed 0.00002.
gnomAD v4.1: 28 of 1,581,278 alleles (0.0018%); highest among the groups gnomAD compares: East Asian, 0.023%; no homozygotes.

Submissions (5):

Labcorp Genetics (formerly Invitae), Labcorp
Classification: Likely benign. Last evaluated: 2024-06-07. Review status: criteria provided, single submitter. Criteria: Invitae Variant Classification Sherloc (09022015). Collection method: clinical testing. Allele origin: germline.

Blueprint Genetics
Classification: Likely benign. Last evaluated: 2020-03-30. Review status: criteria provided, single submitter. Criteria: ACMG Guidelines, 2015. Collection method: clinical testing. Allele origin: germline.

Illumina Laboratory Services, Illumina
Classification: Uncertain significance for Autosomal dominant nonsyndromic hearing loss 6. Last evaluated: 2018-01-13. Review status: criteria provided, single submitter. Criteria: ICSL Variant Classification Criteria 13 December 2019. Collection method: clinical testing. Allele origin: germline.

Illumina Laboratory Services, Illumina
Classification: Uncertain significance for WFS1-Related Spectrum Disorders. Last evaluated: 2018-01-13. Review status: criteria provided, single submitter. Criteria: ICSL Variant Classification Criteria 13 December 2019. Collection method: clinical testing. Allele origin: germline.

Clinical Genomics, Uppaluri K&H Personalized Medicine Clinic
Classification: Benign for Wolfram syndrome 1. Review status: criteria provided, single submitter. Criteria: K & H Uppaluri Personalized Medicine Clinic Variant Classification & Assertion Criteria_Updated V.1. Collection method: research. Allele origin: unknown. Inheritance: Autosomal recessive inheritance.
Comment: Potent mutations in WFS1 gene are associated with Wolfram's syndrome, an autosomal recessive condition, which cause diabetes mellitus, diabetes insipidus, deafness and optic atrophy. However no sufficient evidence is found to ascertain the role of this particular variant rs754346893 in Wolfram's syndrome yet.

Literature cited by the submitters: PubMed 20738327 (cited by Clinical Genomics, Uppaluri K&H Personalized Medicine Clinic); PubMed 33879153 (cited by Clinical Genomics, Uppaluri K&H Personalized Medicine Clinic); PubMed 12955714 (cited by Clinical Genomics, Uppaluri K&H Personalized Medicine Clinic); PubMed 18060660 (cited by Clinical Genomics, Uppaluri K&H Personalized Medicine Clinic); PubMed 20301750 (cited by Clinical Genomics, Uppaluri K&H Personalized Medicine Clinic); PubMed 17603484 (cited by Clinical Genomics, Uppaluri K&H Personalized Medicine Clinic).

NM_006005.3(WFS1):c.132C>T (p.Pro44=)

Gene: WFS1 (wolframin ER transmembrane glycoprotein; plus strand). Cytogenetic location: 4p16.1.
Variant type: single nucleotide variant.
Coding change: c.132C>T on transcript NM_006005.3 (MANE Select); coding-DNA position 132, C replaced by T.
Protein change: p.Pro44=; no amino-acid change (proline 44 retained).
Molecular consequence: synonymous variant.
Genome position (GRCh38, 1-based): chr4:6,277,587, C>T. VCF-style: chr4-6277587-C-T. GRCh37 (hg19) VCF-style: chr4-6279314-C-T.
Other names: c.132C>T, p.Pro44= (NM_001145853.1).
Identifiers: ClinVar variation 349305 (VCV000349305.10), dbSNP rs754346893, ClinGen allele CA2838805.
Genomic context (GRCh38, chr4:6,277,587, plus strand): 5'-TTCCCGACTCAATGCCACAGCCTCGTTGGAGCAGGAGAGGAGCGAAAGGCCCCGAGCACC[C>T]GGACCCCAGGCTGGCCCTGGCCCTGGTGTTAGAGACGCAGCGGCCCCCGCTGAACCCCAG-3'
Protein context (NP_005996.2, residues 34-54): EQERSERPRA[Pro44=]GPQAGPGPGV